The following is an entry in ClinVar:

NM_001378687.1(ATP2C1):c.544T>C (p.Ser182Pro)

Gene: ATP2C1 (ATPase secretory pathway Ca2+ transporting 1; plus strand). Cytogenetic location: 3q22.1.
Variant type: single nucleotide variant.
Coding change: c.544T>C on transcript NM_001378687.1 (MANE Select); coding-DNA position 544, T replaced by C.
Protein change: p.Ser182Pro; replaces serine 182 with proline.
Molecular consequence: missense variant.
Genome position (GRCh38, 1-based): chr3:130,953,833, T>C. VCF-style: chr3-130953833-T-C. GRCh37 (hg19) VCF-style: chr3-130672677-T-C.
Other names: c.544T>C, p.Ser182Pro (NM_001001485.3, NM_001001486.2, NM_001001487.2 and 5 more transcripts); c.646T>C, p.Ser216Pro (NM_001199180.2, NM_001199181.3, NM_001378511.1); c.529T>C, p.Ser177Pro (NM_001199182.2); c.496T>C, p.Ser166Pro (NM_001199183.2, NM_001199184.3, NM_001378514.1); short protein forms S182P, S177P, S216P, S166P.
Identifiers: ClinVar variation 393232 (VCV000393232.4), dbSNP rs1057524846, ClinGen allele CA16604460.

ClinVar aggregate classification (germline): Uncertain significance (1 of 4 stars; one submission).

Allele frequency attached by ClinVar (database versions not stated): gnomAD exomes below 0.00001.
gnomAD v4.1: 1 of 1,614,064 alleles (0.000062%); highest among the groups gnomAD compares: Non-Finnish European, 0.000085%; no homozygotes.

Submission:

GeneDx
Classification: Uncertain significance. Last evaluated: 2019-10-22. Review status: criteria provided, single submitter. Criteria: GeneDx Variant Classification Process June 2021. Collection method: clinical testing. Allele origin: germline. Affected: yes.
Comment: Not observed in large population cohorts (Lek et al., 2016); The majority of missense variants in this gene are considered pathogenic [(Stenson et al., 2014; other references)]; In silico analysis, which includes protein predictors and evolutionary conservation, supports a deleterious effect; Has not been previously published as pathogenic or benign to our knowledge